The following is an entry in ClinVar:

NM_016148.5(SHANK1):c.6271G>T (p.Gly2091Cys)

Gene: SHANK1 (SH3 and multiple ankyrin repeat domains 1; minus strand). Cytogenetic location: 19q13.33.
Variant type: single nucleotide variant.
Coding change: c.6271G>T on transcript NM_016148.5 (MANE Select); coding-DNA position 6271, G replaced by T.
Protein change: p.Gly2091Cys; replaces glycine 2091 with cysteine.
Molecular consequence: missense variant.
Genome position (GRCh38, 1-based): chr19:50,662,180, C>A on the plus strand (G>T on the coding strand, the complement: SHANK1 is on the minus strand). VCF-style: chr19-50662180-C-A. GRCh37 (hg19) VCF-style: chr19-51165437-C-A.
Other names: short protein forms G2091C.
Identifiers: ClinVar variation 727565 (VCV000727565.5), dbSNP rs148157051, ClinGen allele CA9600811.
Genomic context (GRCh38, chr19:50,662,180, plus strand): 5'-CCAGCCACTCCAGCCAATCAGCCACGTCGAACTTGGTCCAGAACCCCAGAGGTTTAGCGC[C>A]AAACGGCTTGTCCGGGGGCAGCGAGAGCAGGCGGGTCGGTGAGAGGGAGCGCGAGGCCCC-3'
Protein context (NP_057232.2, residues 2081-2101): LLSLPPDKPF[Gly2091Cys]AKPLGFWTKF

ClinVar aggregate classification (germline): Benign. Review status: criteria provided, single submitter (1 of 4 stars). 2 submissions from 2 submitters: Benign (1). 1 of the submissions does not count toward it. Last evaluated 2018-11-15.

Conditions:
SHANK1-related disorder. Also called: SHANK1-related condition.

Allele frequency attached by ClinVar (database versions not stated): ESP Exome Variant Server 0.00269; 1000 Genomes Project 30x 0.00297; gnomAD exomes 0.00067; ExAC 0.00083; gnomAD 0.00232 and 0.00257; TOPMed 0.00233; 1000 Genomes Project 0.00260.
gnomAD v4.1: 685 of 1,610,602 alleles (0.043%); highest among the groups gnomAD compares: African/African-American, 0.83%; no homozygotes.

Submissions (2):

Labcorp Genetics (formerly Invitae), Labcorp
Classification: Benign. Last evaluated: 2018-11-15. Review status: criteria provided, single submitter. Criteria: Invitae Variant Classification Sherloc (09022015). Collection method: clinical testing. Allele origin: germline.

PreventionGenetics, part of Exact Sciences
Classification: Benign for SHANK1-related condition. Last evaluated: 2022-04-11. Review status: no assertion criteria provided. Collection method: clinical testing. Allele origin: germline. Not counted in ClinVar's aggregate classification.
Comment: This variant is classified as benign based on ACMG/AMP sequence variant interpretation guidelines (Richards et al. 2015 PMID: 25741868, with internal and published modifications).